The following is an entry in ClinVar:

ClinVar aggregate classification (germline): Uncertain significance (1 of 4 stars; one submission).

Conditions:
Neurofibromatosis, type 1 (NF1). Also called: Neurofibromatosis, type I; Peripheral type neurofibromatosis; VON RECKLINGHAUSEN DISEASE; NEUROFIBROMATOSIS, TYPE I, SOMATIC. Identifiers: Orphanet 636, MedGen C0027831, MONDO:0018975, OMIM 162200. Disease mechanism: loss of function.

Submission:

Labcorp Genetics (formerly Invitae), Labcorp
Classification: Uncertain significance for Neurofibromatosis, type 1. Last evaluated: 2022-04-08. Review status: criteria provided, single submitter. Criteria: Invitae Variant Classification Sherloc (09022015). Collection method: clinical testing. Allele origin: germline.
Comment: This variant is not present in population databases (gnomAD no frequency). In summary, the available evidence is currently insufficient to determine the role of this variant in disease. Therefore, it has been classified as a Variant of Uncertain Significance. Advanced modeling of protein sequence and biophysical properties (such as structural, functional, and spatial information, amino acid conservation, physicochemical variation, residue mobility, and thermodynamic stability) performed at Invitae indicates that this missense variant is expected to disrupt NF1 protein function. This variant has not been reported in the literature in individuals affected with NF1-related conditions. This sequence change replaces phenylalanine, which is neutral and non-polar, with valine, which is neutral and non-polar, at codon 231 of the NF1 protein (p.Phe231Val).

NM_001042492.3(NF1):c.691T>G (p.Phe231Val)

Gene: NF1 (neurofibromin 1; plus strand). Cytogenetic location: 17q11.2.
Variant type: single nucleotide variant.
Coding change: c.691T>G on transcript NM_001042492.3 (MANE Select); coding-DNA position 691, T replaced by G.
Protein change: p.Phe231Val; replaces phenylalanine 231 with valine.
Molecular consequence: missense variant.
Genome position (GRCh38, 1-based): chr17:31,181,746, T>G. VCF-style: chr17-31181746-T-G. GRCh37 (hg19) VCF-style: chr17-29508764-T-G.
Other names: c.691T>G, p.Phe231Val (NM_000267.4, NM_001128147.3); short protein forms F231V.
Identifiers: ClinVar variation 1516043 (VCV001516043.7), dbSNP rs2143777882, ClinGen allele CA398989962.